The following is an entry in ClinVar:

NM_004453.4(ETFDH):c.171G>A (p.Trp57Ter)

Gene: ETFDH (electron transfer flavoprotein dehydrogenase; plus strand). Cytogenetic location: 4q32.1.
Variant type: single nucleotide variant.
Coding change: c.171G>A on transcript NM_004453.4 (MANE Select); coding-DNA position 171, G replaced by A.
Protein change: p.Trp57Ter; replaces tryptophan 57 with a stop codon.
Molecular consequence: nonsense. On other transcripts: intron variant (1).
Genome position (GRCh38, 1-based): chr4:158,680,603, G>A. VCF-style: chr4-158680603-G-A. GRCh37 (hg19) VCF-style: chr4-159601755-G-A.
Other names: c.35-1592G>A (NM_001281737.2); short protein forms W57*.
Identifiers: ClinVar variation 488689 (VCV000488689.2), dbSNP rs949249162, ClinGen allele CA108847694.

ClinVar aggregate classification (germline): Pathogenic (1 of 4 stars; one submission).

Allele frequency attached by ClinVar (database versions not stated): gnomAD exomes below 0.00001.
gnomAD v4.1: 7 of 1,609,820 alleles (0.00043%); highest among the groups gnomAD compares: Non-Finnish European, 0.0006%; no homozygotes.

Submission:

GeneDx
Classification: Pathogenic. Last evaluated: 2016-08-08. Review status: criteria provided, single submitter. Criteria: GeneDx Variant Classification (06012015). Collection method: clinical testing. Allele origin: germline. Affected: yes.
Comment: The W57X nonsense variant in the ETFDH gene is predicted to cause loss of normal protein function either through protein truncation or nonsense-mediated mRNA decay. Although this mutation has not been reported previously to our knowledge, it is expected to be a pathogenic variant.